The following is an entry in ClinVar:

ClinVar aggregate classification (germline): Benign/Likely benign. Review status: criteria provided, multiple submitters, no conflicts (2 of 4 stars). 14 submissions from 14 submitters: Benign (11); Likely benign (1). 2 of the submissions do not count toward it. Last evaluated 2026-02-04.

Conditions:
Cardiovascular phenotype. Identifiers: MedGen CN230736.
Dilated cardiomyopathy 1W (CMD1W). Identifiers: Orphanet 154, MedGen C1969639, MONDO:0012667, OMIM 611407.
Hypertrophic cardiomyopathy 15. Identifiers: MedGen C2750459, MONDO:0013200, OMIM 613255.
Cardiomyopathy (CMYO). Also called: Cardiomyopathies. Identifiers: Orphanet 167848, MedGen C0878544, MONDO:0004994, HP:0001638. Inheritance: Various modes of inheritance.

Allele frequency attached by ClinVar (database versions not stated): gnomAD 0.06329 and 0.06767; TOPMed 0.07043; 1000 Genomes Project 30x 0.07698; gnomAD exomes 0.01689; 1000 Genomes Project 0.07169; ESP Exome Variant Server 0.07389; ExAC 0.02056.
gnomAD v4.1: 19,043 of 1,613,974 alleles (1.2%); highest among the groups gnomAD compares: African/African-American, 22%; 1,838 homozygotes.

Submissions (14):

Labcorp Genetics (formerly Invitae), Labcorp
Classification: Benign for Dilated cardiomyopathy 1W. Last evaluated: 2026-02-04. Review status: criteria provided, single submitter. Criteria: Invitae Variant Classification Sherloc (09022015). Collection method: clinical testing. Allele origin: germline.

ARUP Laboratories, Molecular Genetics and Genomics, ARUP Laboratories
Classification: Benign. Last evaluated: 2025-07-08. Review status: criteria provided, single submitter. Criteria: ARUP Molecular Germline Variant Investigation Process 2024. Collection method: clinical testing. Allele origin: germline.

Molecular Diagnostic Laboratory for Inherited Cardiovascular Disease, Montreal Heart Institute
Classification: Benign. Last evaluated: 2025-04-09. Review status: criteria provided, single submitter. Criteria: ACMG Guidelines, 2015. Collection method: clinical testing. Allele origin: germline. Affected: no.

Fulgent Genetics
Classification: Likely benign for Dilated cardiomyopathy 1W; Hypertrophic cardiomyopathy 15. Last evaluated: 2022-05-02. Review status: criteria provided, single submitter. Criteria: ACMG Guidelines, 2015. Collection method: clinical testing. Allele origin: unknown.

Illumina Laboratory Services, Illumina
Classification: Benign for Dilated cardiomyopathy 1W. Last evaluated: 2018-01-12. Review status: criteria provided, single submitter. Criteria: ICSL Variant Classification Criteria 13 December 2019. Collection method: clinical testing. Allele origin: germline.
Comment: This variant was observed in the ICSL laboratory as part of a predisposition screen in an ostensibly healthy population. It had not been previously curated by ICSL or reported in the Human Gene Mutation Database (HGMD: prior to June 1st, 2018), and was therefore a candidate for classification through an automated scoring system. Utilizing variant allele frequency, disease prevalence and penetrance estimates, and inheritance mode, an automated score was calculated to assess if this variant is too frequent to cause the disease. Based on the score and internal cut-off values, a variant classified as benign is not then subjected to further curation. The score for this variant resulted in a classification of benign for this disease.

Ambry Genetics
Classification: Benign for Cardiovascular phenotype. Last evaluated: 2015-06-25. Review status: criteria provided, single submitter. Criteria: Ambry Variant Classification Scheme 2023. Collection method: clinical testing. Allele origin: germline.

Mayo Clinic Laboratories, Mayo Clinic
Classification: Benign. Last evaluated: 2014-05-08. Review status: criteria provided, single submitter. Criteria: ACMG Guidelines, 2015. Collection method: clinical testing. Allele origin: germline. Observed: 115 variant alleles.

GeneDx
Classification: Benign. Last evaluated: 2013-07-05. Review status: criteria provided, single submitter. Criteria: GeneDx Variant Classification (06012015). Collection method: clinical testing. Allele origin: germline. Affected: yes.
Comment: This variant is considered likely benign or benign based on one or more of the following criteria: it is a conservative change, it occurs at a poorly conserved position in the protein, it is predicted to be benign by multiple in silico algorithms, and/or has population frequency not consistent with disease.

Women's Health and Genetics/Laboratory Corporation of America, LabCorp
Classification: Benign for Cardiomyopathy. Last evaluated: 2011-08-18. Review status: criteria provided, single submitter. Criteria: LabCorp Variant Classification Summary - May 2015. Collection method: curation. Allele origin: germline. Inheritance: autosomal unknown. Affected: yes.
ClinVar note: Converted during submission from benign to Benign.

Laboratory for Molecular Medicine, Mass General Brigham Personalized Medicine
Classification: Benign. Last evaluated: 2010-12-17. Review status: criteria provided, single submitter. Criteria: LMM Criteria. Collection method: clinical testing. Allele origin: germline. Observed: 157 variant alleles.

Breakthrough Genomics
Classification: Benign. Review status: criteria provided, single submitter. Criteria: ACMG Guidelines, 2015. Collection method: not provided. Allele origin: germline. Inheritance: Autosomal dominant inheritance. Affected: yes.

PreventionGenetics, part of Exact Sciences
Classification: Benign. Review status: criteria provided, single submitter. Criteria: ACMG Guidelines, 2015. Collection method: clinical testing. Allele origin: germline.

Clinical Genetics DNA and cytogenetics Diagnostics Lab, Erasmus MC, Erasmus Medical Center
Classification: Benign. Review status: no assertion criteria provided. Collection method: clinical testing. Allele origin: germline. Affected: yes. Study: VKGL Data-share Consensus. Not counted in ClinVar's aggregate classification.

Clinical Genetics, Academic Medical Center
Classification: Benign. Review status: no assertion criteria provided. Collection method: clinical testing. Allele origin: germline. Affected: yes. Study: VKGL Data-share Consensus. Not counted in ClinVar's aggregate classification.

NM_014000.3(VCL):c.339G>A (p.Arg113=)

Gene: VCL (vinculin; plus strand). Cytogenetic location: 10q22.2.
Variant type: single nucleotide variant.
Coding change: c.339G>A on transcript NM_014000.3 (MANE Select); coding-DNA position 339, G replaced by A.
Protein change: p.Arg113=; no amino-acid change (arginine 113 retained).
Molecular consequence: synonymous variant.
Genome position (GRCh38, 1-based): chr10:74,070,769, G>A. VCF-style: chr10-74070769-G-A. GRCh37 (hg19) VCF-style: chr10-75830527-G-A.
Other names: p.R113R:AGG>AGA; p.Arg113=; c.339G>A, p.Arg113= (NM_003373.4).
Identifiers: ClinVar variation 36897 (VCV000036897.37), dbSNP rs56314318, ClinGen allele CA136786.